The following is an entry in ClinVar:

ClinVar aggregate classification (germline): Pathogenic. Review status: criteria provided, multiple submitters, no conflicts (2 of 4 stars). 2 submissions from 2 submitters: Pathogenic (2). Last evaluated 2023-07-24.

Conditions:
Intellectual disability-severe speech delay-mild dysmorphism syndrome (IDDLA). Also called: Mental retardation with language impairment and autistic features; FOXP1 Syndrome; Intellectual developmental disorder with language impairment AND with or without autistic features. Identifiers: Orphanet 391372, MedGen C4013764, MONDO:0013352, OMIM 613670.

Submissions (2):

GeneDx
Classification: Pathogenic. Last evaluated: 2023-07-24. Review status: criteria provided, single submitter. Criteria: GeneDx Variant Classification Process June 2021. Collection method: clinical testing. Allele origin: germline. Affected: yes.
Comment: Canonical splice site variant predicted to result in a null allele in a gene for which loss of function is a known mechanism of disease; Not observed at significant frequency in large population cohorts (gnomAD); This variant is associated with the following publications: (PMID: 25326635, 27657687)

Baylor Genetics
Classification: Pathogenic for Intellectual disability-severe speech delay-mild dysmorphism syndrome. Last evaluated: 2017-09-01. Review status: criteria provided, single submitter. Criteria: ACMG Guidelines, 2015. Collection method: clinical testing. Allele origin: de novo. Inheritance: Autosomal dominant inheritance. Affected: yes.
Comment: This splice mutation is categorized as deleterious according to ACMG guidelines (PMID:18414213).

Literature cited by the submitters: PubMed 25326635 (cited by Baylor Genetics).

NM_001349338.3(FOXP1):c.1653-2A>T

Gene: FOXP1 (forkhead box P1; minus strand). Cytogenetic location: 3p13.
Variant type: single nucleotide variant.
Coding change: c.1653-2A>T on transcript NM_001349338.3 (MANE Select); the canonical splice acceptor site of the intron before coding-DNA position 1653, A replaced by T.
Molecular consequence: splice acceptor variant.
Genome position (GRCh38, 1-based): chr3:70,970,807, T>A on the plus strand (A>T on the coding strand, the complement: FOXP1 is on the minus strand). VCF-style: chr3-70970807-T-A. GRCh37 (hg19) VCF-style: chr3-71019958-T-A.
Other names: c.1701-2A>T (NM_001244810.2); c.1653-2A>T (NM_032682.6, NM_001349340.3, NM_001244816.2 and 1 more transcripts); c.1650-2A>T (NM_001349341.3, NM_001244808.3); c.1425-2A>T (NM_001244812.3); c.1350-2A>T (NM_001349343.3, NM_001349337.2, NM_001370548.1 and 1 more transcripts); c.1353-2A>T (NM_001349342.3, NM_001244815.2, NM_001244813.3).
Identifiers: ClinVar variation 561014 (VCV000561014.3), dbSNP rs1559596756, ClinGen allele CA353490646.